The following is an entry in ClinVar:

ClinVar aggregate classification (germline): Uncertain significance. Review status: criteria provided, multiple submitters, no conflicts (2 of 4 stars). 2 submissions from 2 submitters: Uncertain significance (2). Last evaluated 2022-07-10.

Conditions:
Oculocutaneous albinism type 3 (OCA3). Also called: Rufous OCA; Rufous albinism; ALBINISM III; RUFOUS OCULOCUTANEOUS ALBINISM; XANTHISM; Albinism, oculocutaneous, type III. Identifiers: Orphanet 79433, MedGen C0342683, MONDO:0008747, OMIM 203290.

Allele frequency attached by ClinVar (database versions not stated): gnomAD below 0.00001 and 0.00002; TOPMed 0.00001.
gnomAD v4.1: 34 of 1,611,520 alleles (0.0021%); highest among the groups gnomAD compares: South Asian, 0.035%; no homozygotes.

Submissions (2):

Labcorp Genetics (formerly Invitae), Labcorp
Classification: Uncertain significance. Last evaluated: 2022-07-10. Review status: criteria provided, single submitter. Criteria: Invitae Variant Classification Sherloc (09022015). Collection method: clinical testing. Allele origin: germline.
Comment: This sequence change replaces serine, which is neutral and polar, with asparagine, which is neutral and polar, at codon 470 of the TYRP1 protein (p.Ser470Asn). This variant is present in population databases (rs201605146, gnomAD 0.04%). This variant has not been reported in the literature in individuals affected with TYRP1-related conditions. ClinVar contains an entry for this variant (Variation ID: 914044). Algorithms developed to predict the effect of missense changes on protein structure and function (SIFT, PolyPhen-2, Align-GVGD) all suggest that this variant is likely to be tolerated. In summary, the available evidence is currently insufficient to determine the role of this variant in disease. Therefore, it has been classified as a Variant of Uncertain Significance.

Illumina Laboratory Services, Illumina
Classification: Uncertain significance for Oculocutaneous albinism type 3. Last evaluated: 2017-04-27. Review status: criteria provided, single submitter. Criteria: ICSL Variant Classification Criteria 13 December 2019. Collection method: clinical testing. Allele origin: germline.
Comment: This variant was observed as part of a predisposition screen in an ostensibly healthy population. A literature search was performed for the gene, cDNA change, and amino acid change (where applicable). Publications were found based on this search. However, the evidence from the literature, in combination with allele frequency data from public databases where available, was not sufficient to rule this variant in or out of causing disease. Therefore, this variant is classified as a variant of unknown significance.

Literature cited by the submitters: PubMed 23862152 (cited by Illumina Laboratory Services, Illumina).

NM_000550.3(TYRP1):c.1409G>A (p.Ser470Asn)

Genes: TYRP1 (tyrosinase related protein 1; plus strand), LURAP1L-AS1 (LURAP1L antisense RNA 1; minus strand). Cytogenetic location: 9p23.
Variant type: single nucleotide variant.
Coding change: c.1409G>A on transcript NM_000550.3 (MANE Select); coding-DNA position 1409, G replaced by A.
Protein change: p.Ser470Asn; replaces serine 470 with asparagine.
Molecular consequence: missense variant.
Genome position (GRCh38, 1-based): chr9:12,708,977, G>A. VCF-style: chr9-12708977-G-A. GRCh37 (hg19) VCF-style: chr9-12708977-G-A.
Other names: short protein forms S470N.
Identifiers: ClinVar variation 914044 (VCV000914044.5), dbSNP rs201605146, ClinGen allele CA4985579.